The following is an entry in ClinVar:

NM_020750.3(XPO5):c.2528T>C (p.Leu843Pro)

Genes: POLR1C (RNA polymerase I and III subunit C; plus strand), XPO5 (exportin 5; minus strand). Cytogenetic location: 6p21.1.
Variant type: single nucleotide variant.
Coding change: c.2528T>C on transcript NM_020750.3 (MANE Select); coding-DNA position 2528, T replaced by C.
Protein change: p.Leu843Pro; replaces leucine 843 with proline.
Molecular consequence: missense variant. On other transcripts: non-coding transcript variant (1), intron variant (1).
Genome position (GRCh38, 1-based): chr6:43,531,491, A>G on the plus strand (T>C on the coding strand, the complement: XPO5 is on the minus strand). VCF-style: chr6-43531491-A-G. GRCh37 (hg19) VCF-style: chr6-43499229-A-G.
Other names: c.922+10443A>G (NM_001363658.2); short protein forms L843P.
Identifiers: ClinVar variation 4985072 (VCV004985072.1).
Genomic context (GRCh38, chr6:43,531,491, plus strand): 5'-AATACATATCGAGGAAGAAAATATGGAGAGGCAGCATTGGTTCCTTACCAGTTTTCATAG[A>G]GGGTAGAGAAGAAACGCTGCATTCTTTCCAAGACGGTTTTGAAGACAGGAGAGTCATTGA-3'
Protein context (NP_065801.1, residues 833-853): LERMQRFFST[Leu843Pro]YENCFHILGK

ClinVar aggregate classification (germline): Uncertain significance (1 of 4 stars; one submission).

Conditions:
XPO5-related disorder. Also called: XPO5-related condition.

Submission:

PreventionGenetics, part of Exact Sciences
Classification: Uncertain significance for XPO5-related condition. Last evaluated: 2025-05-27. Review status: criteria provided, single submitter. Criteria: ACMG Guidelines, 2015. Collection method: clinical testing. Allele origin: germline.
Comment: The XPO5 c.2528T>C variant is predicted to result in the amino acid substitution p.Leu843Pro. This variant has been reported as a somatic variant in Wilms tumor (Table S2, Walz et al. 2015. PubMed ID: 25670082). To our knowledge, this variant has not been reported as a germline variant in the literature or in a large population database (gnomAD), indicating this variant is rare. At this time, the clinical significance of this variant is uncertain due to the absence of conclusive functional and genetic evidence.